The following is an entry in ClinVar:

NM_032608.7(MYO18B):c.310A>G (p.Ile104Val)

Gene: MYO18B (myosin XVIIIB; plus strand). Cytogenetic location: 22q12.1.
Variant type: single nucleotide variant.
Coding change: c.310A>G on transcript NM_032608.7 (MANE Select); coding-DNA position 310, A replaced by G.
Protein change: p.Ile104Val; replaces isoleucine 104 with valine.
Molecular consequence: missense variant.
Genome position (GRCh38, 1-based): chr22:25,768,226, A>G. VCF-style: chr22-25768226-A-G. GRCh37 (hg19) VCF-style: chr22-26164193-A-G.
Other names: c.310A>G, p.Ile104Val (NM_001318245.2); short protein forms I104V.
Identifiers: ClinVar variation 1926283 (VCV001926283.2), dbSNP rs989856968, ClinGen allele CA322778636.

ClinVar aggregate classification (germline): Uncertain significance (1 of 4 stars; one submission).

Allele frequency attached by ClinVar (database versions not stated): gnomAD exomes 0.00001.
gnomAD v4.1: 14 of 1,614,016 alleles (0.00087%); highest among the groups gnomAD compares: Non-Finnish European, 0.0012%; no homozygotes.

Submission:

Labcorp Genetics (formerly Invitae), Labcorp
Classification: Uncertain significance. Last evaluated: 2022-03-10. Review status: criteria provided, single submitter. Criteria: Invitae Variant Classification Sherloc (09022015). Collection method: clinical testing. Allele origin: germline.
Comment: This sequence change replaces isoleucine, which is neutral and non-polar, with valine, which is neutral and non-polar, at codon 104 of the MYO18B protein (p.Ile104Val). This variant is not present in population databases (gnomAD no frequency). This variant has not been reported in the literature in individuals affected with MYO18B-related conditions. Algorithms developed to predict the effect of missense changes on protein structure and function output the following: SIFT: "Not Available"; PolyPhen-2: "Benign"; Align-GVGD: "Not Available". The valine amino acid residue is found in multiple mammalian species, which suggests that this missense change does not adversely affect protein function. In summary, the available evidence is currently insufficient to determine the role of this variant in disease. Therefore, it has been classified as a Variant of Uncertain Significance.